The following is an entry in ClinVar:

NM_170601.5(SIAE):c.1423G>A (p.Val475Met)

Gene: SIAE (sialic acid acetylesterase; minus strand). Cytogenetic location: 11q24.2.
Variant type: single nucleotide variant.
Coding change: c.1423G>A on transcript NM_170601.5 (MANE Select); coding-DNA position 1423, G replaced by A.
Protein change: p.Val475Met; replaces valine 475 with methionine.
Molecular consequence: missense variant.
Genome position (GRCh38, 1-based): chr11:124,637,100, C>T on the plus strand (G>A on the coding strand, the complement: SIAE is on the minus strand). VCF-style: chr11-124637100-C-T. GRCh37 (hg19) VCF-style: chr11-124506996-C-T.
Other names: c.1318G>A, p.Val440Met (NM_001199922.2); short protein forms V475M, V440M.
Identifiers: ClinVar variation 1979512 (VCV001979512.4), dbSNP rs765363693, ClinGen allele CA6341177.
Genomic context (GRCh38, chr11:124,637,100, plus strand): 5'-ATAGGGGACACTGCTTATATTCACAAGGCCACGTGGTCCAAGCATAGCGGAGAGCAACCA[C>T]AGTGCCATGACAAGAATCGATCGCCAGGGTCAGGGACTGGGTGGAGACGGTGTTCATAGA-3'
Protein context (NP_733746.1, residues 465-485): TLAIDSCHGT[Val475Met]VALRYAWTTW

ClinVar aggregate classification (germline): Uncertain significance (1 of 4 stars; one submission).

Allele frequency attached by ClinVar (database versions not stated): TOPMed below 0.00001; ExAC 0.00001; gnomAD exomes 0.00001.
gnomAD v4.1: 15 of 1,614,154 alleles (0.00093%); highest among the groups gnomAD compares: Non-Finnish European, 0.0013%; no homozygotes.

Submission:

Labcorp Genetics (formerly Invitae), Labcorp
Classification: Uncertain significance. Last evaluated: 2023-06-05. Review status: criteria provided, single submitter. Criteria: Invitae Variant Classification Sherloc (09022015). Collection method: clinical testing. Allele origin: germline.
Comment: In summary, the available evidence is currently insufficient to determine the role of this variant in disease. Therefore, it has been classified as a Variant of Uncertain Significance. An algorithm developed to predict the effect of missense changes on protein structure and function (PolyPhen-2) suggests that this variant is likely to be disruptive. ClinVar contains an entry for this variant (Variation ID: 1979512). This variant has not been reported in the literature in individuals affected with SIAE-related conditions. This variant is present in population databases (rs765363693, gnomAD 0.005%). This sequence change replaces valine, which is neutral and non-polar, with methionine, which is neutral and non-polar, at codon 475 of the SIAE protein (p.Val475Met).